The following is an entry in ClinVar:

NM_024753.5(TTC21B):c.3923A>T (p.Asp1308Val)

Gene: TTC21B (tetratricopeptide repeat domain 21B; minus strand). Cytogenetic location: 2q24.3.
Variant type: single nucleotide variant.
Coding change: c.3923A>T on transcript NM_024753.5 (MANE Select); coding-DNA position 3923, A replaced by T.
Protein change: p.Asp1308Val; replaces aspartic acid 1308 with valine.
Molecular consequence: missense variant.
Genome position (GRCh38, 1-based): chr2:165,874,783, T>A on the plus strand (A>T on the coding strand, the complement: TTC21B is on the minus strand). VCF-style: chr2-165874783-T-A. GRCh37 (hg19) VCF-style: chr2-166731293-T-A.
Other names: c.3923A>T (NM_024753.4); short protein forms D1308V.
Identifiers: ClinVar variation 4193004 (VCV004193004.2).

ClinVar aggregate classification (germline): Uncertain significance. Review status: criteria provided, multiple submitters, no conflicts (2 of 4 stars). 2 submissions from 2 submitters: Uncertain significance (2). Last evaluated 2026-03-25.

Conditions:
TTC21B-related disorder. Also called: TTC21B-related condition; TTC21B-related disorders.
Inborn genetic diseases. Identifiers: MedGen C0950123, MeSH D030342.

gnomAD v4.1: 4 of 1,613,636 alleles (0.00025%); highest among the groups gnomAD compares: Admixed American, 0.0067%; no homozygotes.

Submissions (2):

PreventionGenetics, part of Exact Sciences
Classification: Uncertain significance for TTC21B-related condition. Last evaluated: 2026-03-25. Review status: criteria provided, single submitter. Criteria: ACMG Guidelines, 2015. Collection method: clinical testing. Allele origin: germline.
Comment: The TTC21B c.3923A>T variant is predicted to result in the amino acid substitution p.Asp1308Val. To our knowledge, this variant has not been reported in the literature. This variant is reported in 0.0058% of alleles in individuals of Latino descent in gnomAD. An alternate missense variant at the same amino acid position has been reported in a patient with nephronophthisis-related ciliopathy (p.Asp1308Gly; Halbritter et al. 2013. PubMed ID: 23559409). At this time, the clinical significance of this variant is uncertain due to the absence of conclusive functional and genetic evidence.

Ambry Genetics
Classification: Uncertain significance for Inborn genetic diseases. Last evaluated: 2025-06-17. Review status: criteria provided, single submitter. Criteria: Ambry Variant Classification Scheme 2023. Collection method: clinical testing. Allele origin: germline.